The following is an entry in ClinVar:

ClinVar aggregate classification (germline): Conflicting classifications of pathogenicity. Review status: criteria provided, conflicting classifications (1 of 4 stars). 3 submissions from 3 submitters: Uncertain significance (1); Benign (1); Likely benign (1). Last evaluated 2026-02-01.

Conditions:
Myopathy, tubular aggregate, 2 (TAM2). Identifiers: MedGen C4014557, MONDO:0014383, OMIM 615883.
Combined immunodeficiency due to ORAI1 deficiency. Also called: IMMUNODEFICIENCY 9. Identifiers: Orphanet 169090, Orphanet 317428, MedGen C2748568, MONDO:0013007, OMIM 612782.

Allele frequency attached by ClinVar (database versions not stated): gnomAD exomes 0.00024; gnomAD 0.00033 and 0.00042; TOPMed 0.00051; 1000 Genomes Project 30x 0.00109.

Submissions (3):

Labcorp Genetics (formerly Invitae), Labcorp
Classification: Benign for Myopathy, tubular aggregate, 2; Combined immunodeficiency due to ORAI1 deficiency. Last evaluated: 2026-02-01. Review status: criteria provided, single submitter. Criteria: Invitae Variant Classification Sherloc (09022015). Collection method: clinical testing. Allele origin: germline.

CeGaT Center for Human Genetics Tuebingen
Classification: Likely benign. Last evaluated: 2022-12-01. Review status: criteria provided, single submitter. Criteria: CeGaT Center For Human Genetics Tuebingen Variant Classification Criteria Version 2. Collection method: clinical testing. Allele origin: germline. Affected: yes. Observed: 1 variant allele.
Comment: ORAI1: BS1

Department of Pathology and Laboratory Medicine, Sinai Health System
Classification: Uncertain significance for Combined immunodeficiency due to ORAI1 deficiency; Myopathy, tubular aggregate, 2. Last evaluated: 2022-09-02. Review status: criteria provided, single submitter. Criteria: ACMG Guidelines, 2015. Collection method: research. Allele origin: germline.

NM_032790.4(ORAI1):c.12G>T (p.Glu4Asp)

Genes: ORAI1 (ORAI calcium release-activated calcium modulator 1; plus strand), LOC130008987 (ATAC-STARR-seq lymphoblastoid silent region 4981; plus strand). Cytogenetic location: 12q24.31.
Variant type: single nucleotide variant.
Coding change: c.12G>T on transcript NM_032790.4 (MANE Select); coding-DNA position 12, G replaced by T.
Protein change: p.Glu4Asp; replaces glutamic acid 4 with aspartic acid.
Genome position (GRCh38, 1-based): chr12:121,626,754, G>T. VCF-style: chr12-121626754-G-T. GRCh37 (hg19) VCF-style: chr12-122064659-G-T.
Other names: short protein forms E4D.
Identifiers: ClinVar variation 717948 (VCV000717948.36), dbSNP rs868908978, ClinGen allele CA386980263.